The following is an entry in ClinVar:

NM_003922.4(HERC1):c.4323A>G (p.Ala1441=)

Gene: HERC1 (HECT and RLD domain containing E3 ubiquitin protein ligase family member 1; minus strand). Cytogenetic location: 15q22.31.
Variant type: single nucleotide variant.
Coding change: c.4323A>G on transcript NM_003922.4 (MANE Select); coding-DNA position 4323, A replaced by G.
Protein change: p.Ala1441=; no amino-acid change (alanine 1441 retained).
Molecular consequence: synonymous variant.
Genome position (GRCh38, 1-based): chr15:63,713,493, T>C on the plus strand (A>G on the coding strand, the complement: HERC1 is on the minus strand). VCF-style: chr15-63713493-T-C. GRCh37 (hg19) VCF-style: chr15-64005692-T-C.
Identifiers: ClinVar variation 3388099 (VCV003388099.14).

ClinVar aggregate classification (germline): Likely benign (1 of 4 stars; one submission).

gnomAD v4.1: 2 of 1,614,006 alleles (0.00012%); highest among the groups gnomAD compares: Non-Finnish European, 0.000085%; no homozygotes.

Submission:

CeGaT Center for Human Genetics Tuebingen
Classification: Likely benign. Last evaluated: 2024-10-01. Review status: criteria provided, single submitter. Criteria: CeGaT Center For Human Genetics Tuebingen Variant Classification Criteria Version 2. Collection method: clinical testing. Allele origin: germline. Affected: yes. Observed: 1 variant allele.
Comment: HERC1: BP4, BP7